The following is an entry in ClinVar:

ClinVar aggregate classification (germline): Pathogenic/Likely pathogenic. Review status: criteria provided, multiple submitters, no conflicts (2 of 4 stars). 2 submissions from 2 submitters: Pathogenic (1); Likely pathogenic (1). Last evaluated 2024-06-14.

Conditions:
Nephronophthisis. Also called: Juvenile Nephronophthisis. Identifiers: Orphanet 655, MedGen C0687120, MONDO:0019005, HP:0000090.
Infantile nephronophthisis (NPHP2). Also called: Nephronophthisis 2; Nephronophthisis 2, infantile. Identifiers: Orphanet 655, Orphanet 93591, MedGen C1865872, MONDO:0011190, OMIM 602088.

Submissions (2):

Fulgent Genetics
Classification: Likely pathogenic for Infantile nephronophthisis. Last evaluated: 2024-06-14. Review status: criteria provided, single submitter. Criteria: ACMG Guidelines, 2015. Collection method: clinical testing. Allele origin: germline.

Labcorp Genetics (formerly Invitae), Labcorp
Classification: Pathogenic for Nephronophthisis. Last evaluated: 2023-12-10. Review status: criteria provided, single submitter. Criteria: Invitae Variant Classification Sherloc (09022015). Collection method: clinical testing. Allele origin: germline.
Comment: This sequence change creates a premature translational stop signal (p.Asn278Ilefs*32) in the INVS gene. It is expected to result in an absent or disrupted protein product. Loss-of-function variants in INVS are known to be pathogenic (PMID: 12872123). This variant is present in population databases (no rsID available, gnomAD 0.003%). This variant has not been reported in the literature in individuals affected with INVS-related conditions. For these reasons, this variant has been classified as Pathogenic.

Literature cited by the submitters: PubMed 12872123 (cited by Labcorp Genetics (formerly Invitae), Labcorp).

NM_014425.5(INVS):c.833del (p.Asn278fs)

Gene: INVS (inversin; plus strand). Cytogenetic location: 9q31.1.
Variant type: Deletion.
Coding change: c.833del on transcript NM_014425.5 (MANE Select); coding-DNA position 833, one base deleted (A; older notation c.833delA).
Protein change: p.Asn278fs; shifts the reading frame from asparagine 278.
Molecular consequence: frameshift variant. On other transcripts: 5 prime UTR variant (1), non-coding transcript variant (1).
Genome position (GRCh38, 1-based): chr9:100,242,606, A deleted; the last of 3 consecutive A bases (chr9:100,242,604-100,242,606); deleting any one gives the same sequence. VCF-style (leftmost placement, unchanged base first): chr9-100242603-GA-G. GRCh37 (hg19) VCF-style: chr9-103004885-GA-G.
Other names: c.545del, p.Asn182fs (NM_001318381.2); c.-157del (NM_001318382.2); short protein forms N182fs, N278fs.
Identifiers: ClinVar variation 3020908 (VCV003020908.4), dbSNP rs1166667492, ClinGen allele CA589859880.
Genomic context (GRCh38, chr9:100,242,603, plus strand): 5'-TAATTACCTTTTTGTGTCTTTTCTCAGGCCATGCACAGATTGTCCATCTCCTTTTAGAAA[GA>G]AATAAGTCTGGAACTATCCCATCTGACAGCCAAGGAGCCACACCTTTGCACTATGCTGCT-3'